The following is an entry in ClinVar:

NM_001142800.2(EYS):c.8411_8412insTT (p.Val2804_Thr2805insTer)

Genes: EYS (EGF-like photoreceptor maintenance factor; minus strand), PHF3 (PHD finger protein 3; plus strand). Cytogenetic location: 6q12.
Variant type: Insertion.
Coding change: c.8411_8412insTT on transcript NM_001142800.2 (MANE Select); coding-DNA positions 8411 to 8412, TT inserted.
Protein change: p.Val2804_Thr2805insTer.
Molecular consequence: frameshift variant. On other transcripts: 3 prime UTR variant (5).
Genome position: GRCh38 VCF-style: chr6-63721619-T-TAA. GRCh37 (hg19) VCF-style: chr6-64431515-T-TAA.
Other names: c.*7912_*7913insAA (NM_001290259.2, NM_001370348.2, NM_001370349.2 and 2 more transcripts); c.8474_8475insTT, p.Val2825_Thr2826insTer (NM_001292009.2); c.8411_8412insTT (NM_001142800.1).
Identifiers: ClinVar variation 2189841 (VCV002189841.9), dbSNP rs763028732, ClinGen allele CA2567951965.

ClinVar aggregate classification (germline): Pathogenic. Review status: criteria provided, multiple submitters, no conflicts (2 of 4 stars). 5 submissions from 5 submitters: Pathogenic (5). Last evaluated 2025-12-01.

Conditions:
Retinitis pigmentosa 25 (RP25). Identifiers: Orphanet 791, MedGen C1864446, MONDO:0011272, OMIM 602772.
EYS-related disorder. Also called: EYS-related condition.

Submissions (5):

Natera, Inc.
Classification: Pathogenic for Retinitis pigmentosa type 25. Last evaluated: 2025-12-01. Review status: criteria provided, single submitter. Criteria: Natera Variant Classification Schema (03/2026). Collection method: clinical testing. Allele origin: germline.
Comment: The c.8411_8412insTT variant in EYS is a frameshift variant predicted to shift the reading frame and introduce a stop codon. This variant is expected to result in nonsense mediated decay, truncation, or a dysfunctional protein product. This variant is rare in the general population with a frequency below the threshold expected for the associated phenotype(s). This variant has been observed in one or more individuals affected with the associated recessive disease, as either homozygous or compound heterozygous with a second variant (PMID: 36899994). Given the available evidence, this variant is classified as Pathogenic.

Myriad Genetics, Inc.
Classification: Pathogenic for Retinitis pigmentosa 25. Last evaluated: 2025-09-08. Review status: criteria provided, single submitter. Criteria: Myriad Autosomal Dominant, Autosomal Recessive and X-Linked Classification Criteria (2023). Collection method: clinical testing. Allele origin: unknown.
Comment: NM_001142800.1(EYS):c.8411_8412insTT(T2805*) is a nonsense variant classified as pathogenic in the context of retinitis pigmentosa, EYS-related. T2805* has been observed in cases with relevant disease (PMID: 28704921, 33090715, 36899994). Relevant functional assessments of this variant are not available in the literature. T2805* has not been observed in referenced population frequency databases. In summary, NM_001142800.1(EYS):c.8411_8412insTT(T2805*) is a nonsense variant in a gene where loss of function is a known mechanism of disease, is predicted to disrupt protein function, and has been observed more frequently in cases with the relevant disease than in healthy populations. Please note: this variant was assessed in the context of healthy population screening.

Blueprint Genetics
Classification: Pathogenic for EYS-related disorders. Last evaluated: 2023-12-20. Review status: criteria provided, single submitter. Criteria: ACMG Guidelines, 2015. Collection method: clinical testing. Allele origin: germline. Affected: yes. Observed: 5 variant alleles.

Labcorp Genetics (formerly Invitae), Labcorp
Classification: Pathogenic. Last evaluated: 2023-07-08. Review status: criteria provided, single submitter. Criteria: Invitae Variant Classification Sherloc (09022015). Collection method: clinical testing. Allele origin: germline.
Comment: For these reasons, this variant has been classified as Pathogenic. This variant disrupts a region of the EYS protein in which other variant(s) (p.Tyr3135*, p.Tyr3156*) have been determined to be pathogenic (PMID: 18976725, 29159838, 30337596, 31074760). This suggests that this is a clinically significant region of the protein, and that variants that disrupt it are likely to be disease-causing. ClinVar contains an entry for this variant (Variation ID: 2189841). This premature translational stop signal has been observed in individuals with EYS-related conditions (PMID: 28704921, 33090715). This variant is not present in population databases (gnomAD no frequency). This sequence change creates a premature translational stop signal (p.Thr2805*) in the EYS gene. While this is not anticipated to result in nonsense mediated decay, it is expected to disrupt the last 340 amino acid(s) of the EYS protein.

Baylor Genetics
Classification: Pathogenic for Retinitis pigmentosa 25. Last evaluated: 2023-03-30. Review status: criteria provided, single submitter. Criteria: ACMG Guidelines, 2015. Collection method: clinical testing. Allele origin: unknown.

Literature cited by the submitters: PubMed 36899994 (cited by Natera, Inc. and Myriad Genetics, Inc.); PubMed 28704921 (cited by Myriad Genetics, Inc. and Labcorp Genetics (formerly Invitae), Labcorp); PubMed 33090715 (cited by Myriad Genetics, Inc. and Labcorp Genetics (formerly Invitae), Labcorp); PubMed 18976725 (cited by Labcorp Genetics (formerly Invitae), Labcorp); PubMed 29159838 (cited by Labcorp Genetics (formerly Invitae), Labcorp); PubMed 30337596 (cited by Labcorp Genetics (formerly Invitae), Labcorp); PubMed 31074760 (cited by Labcorp Genetics (formerly Invitae), Labcorp).